The following is an entry in ClinVar:

ClinVar aggregate classification (germline): Uncertain significance (1 of 4 stars; one submission).

Submission:

Labcorp Genetics (formerly Invitae), Labcorp
Classification: Uncertain significance. Last evaluated: 2025-01-15. Review status: criteria provided, single submitter. Criteria: Invitae Variant Classification Sherloc (09022015). Collection method: clinical testing. Allele origin: germline.
Comment: This sequence change replaces arginine, which is basic and polar, with tryptophan, which is neutral and slightly polar, at codon 128 of the CYP24A1 protein (p.Arg128Trp). This variant is not present in population databases (gnomAD no frequency). This variant has not been reported in the literature in individuals affected with CYP24A1-related conditions. ClinVar contains an entry for this variant (Variation ID: 2866341). Invitae Evidence Modeling of protein sequence and biophysical properties (such as structural, functional, and spatial information, amino acid conservation, physicochemical variation, residue mobility, and thermodynamic stability) indicates that this missense variant is expected to disrupt CYP24A1 protein function with a positive predictive value of 95%. In summary, the available evidence is currently insufficient to determine the role of this variant in disease. Therefore, it has been classified as a Variant of Uncertain Significance.

NM_000782.5(CYP24A1):c.382C>T (p.Arg128Trp)

Gene: CYP24A1 (cytochrome P450 family 24 subfamily A member 1; minus strand). Cytogenetic location: 20q13.2.
Variant type: single nucleotide variant.
Coding change: c.382C>T on transcript NM_000782.5 (MANE Select); coding-DNA position 382, C replaced by T.
Protein change: p.Arg128Trp; replaces arginine 128 with tryptophan.
Molecular consequence: missense variant.
Genome position (GRCh38, 1-based): chr20:54,172,976, G>A on the plus strand (C>T on the coding strand, the complement: CYP24A1 is on the minus strand). VCF-style: chr20-54172976-G-A. GRCh37 (hg19) VCF-style: chr20-52789515-G-A.
Other names: c.382C>T, p.Arg128Trp (NM_001128915.2, NM_001424340.1, NM_001424341.1 and 2 more transcripts); short protein forms R128W.
Identifiers: ClinVar variation 2866341 (VCV002866341.3), dbSNP rs778708906, ClinGen allele CA409393026.